The following is an entry in ClinVar:

ClinVar aggregate classification (germline): Likely benign. Review status: criteria provided, single submitter (1 of 4 stars). 2 submissions from 2 submitters: Likely benign (1). 1 of the submissions does not count toward it. Last evaluated 2025-01-23.

Conditions:
COL17A1-related disorder. Also called: COL17A1-related condition.

Allele frequency attached by ClinVar (database versions not stated): ExAC 0.00002; gnomAD exomes 0.00002; gnomAD 0.00010; TOPMed 0.00018; 1000 Genomes Project 0.00020; 1000 Genomes Project 30x 0.00031.
gnomAD v4.1: 30 of 1,614,158 alleles (0.0019%); highest among the groups gnomAD compares: Admixed American, 0.033%; no homozygotes.

Submissions (2):

Labcorp Genetics (formerly Invitae), Labcorp
Classification: Likely benign. Last evaluated: 2025-01-23. Review status: criteria provided, single submitter. Criteria: Invitae Variant Classification Sherloc (09022015). Collection method: clinical testing. Allele origin: germline.

PreventionGenetics, part of Exact Sciences
Classification: Likely benign for COL17A1-related condition. Last evaluated: 2020-09-01. Review status: no assertion criteria provided. Collection method: clinical testing. Allele origin: germline. Not counted in ClinVar's aggregate classification.
Comment: This variant is classified as likely benign based on ACMG/AMP sequence variant interpretation guidelines (Richards et al. 2015 PMID: 25741868, with internal and published modifications).

NM_000494.4(COL17A1):c.2400T>A (p.Gly800=)

Gene: COL17A1 (collagen type XVII alpha 1 chain; minus strand). Cytogenetic location: 10q25.1.
Variant type: single nucleotide variant.
Coding change: c.2400T>A on transcript NM_000494.4 (MANE Select); coding-DNA position 2400, T replaced by A.
Protein change: p.Gly800=; no amino-acid change (glycine 800 retained).
Molecular consequence: synonymous variant.
Genome position (GRCh38, 1-based): chr10:104,043,859, A>T on the plus strand (T>A on the coding strand, the complement: COL17A1 is on the minus strand). VCF-style: chr10-104043859-A-T. GRCh37 (hg19) VCF-style: chr10-105803617-A-T.
Other names: c.2400T>A (NM_000494.3).
Identifiers: ClinVar variation 2896711 (VCV002896711.5), dbSNP rs549728304, ClinGen allele CA5678486.
Genomic context (GRCh38, chr10:104,043,859, plus strand): 5'-GGAGGGTCCCTCTAGGACCTGCCTACCCGAAGTCACGATCTTGCCTGGAGCTCCTGGTTC[A>T]CCTAGGAAGAGAGGAAAAGGCTGAGAGTGGTTGTTCTGAGGATCAATTAGTGGCTCAATA-3'
Protein context (NP_000485.3, residues 790-810): PGTPGRPGIK[Gly800=]EPGAPGKIVT